The following is an entry in ClinVar:

ClinVar aggregate classification (germline): Likely benign (1 of 4 stars; one submission).

Conditions:
SEMA3A-related disorder. Also called: SEMA3A-related condition.

gnomAD v4.1: 3 of 1,611,722 alleles (0.00019%); highest among the groups gnomAD compares: South Asian, 0.0033%; no homozygotes.

Submission:

PreventionGenetics, part of Exact Sciences
Classification: Likely benign for SEMA3A-related condition. Last evaluated: 2025-08-01. Review status: criteria provided, single submitter. Criteria: ACMG Guidelines, 2015. Collection method: clinical testing. Allele origin: germline.
Comment: This variant is classified as likely benign based on ACMG/AMP sequence variant interpretation guidelines (Richards et al. 2015 PMID: 25741868, with internal and published modifications).

NM_006080.3(SEMA3A):c.1518G>T (p.Thr506=)

Gene: SEMA3A (semaphorin 3A; minus strand). Cytogenetic location: 7q21.11.
Variant type: single nucleotide variant.
Coding change: c.1518G>T on transcript NM_006080.3 (MANE Select); coding-DNA position 1518, G replaced by T.
Protein change: p.Thr506=; no amino-acid change (threonine 506 retained).
Molecular consequence: synonymous variant.
Genome position (GRCh38, 1-based): chr7:83,981,455, C>A on the plus strand (G>T on the coding strand, the complement: SEMA3A is on the minus strand). VCF-style: chr7-83981455-C-A. GRCh37 (hg19) VCF-style: chr7-83610771-C-A.
Identifiers: ClinVar variation 4997830 (VCV004997830.1).
Genomic context (GRCh38, chr7:83,981,455, plus strand): 5'-CTCAGCACACGCTTTCCCGTAAATATCACACCGGTGTAAAGGGAGCTGGGCAACCCCAGC[C>A]GTTGAACCAATATATAGTTGTTGCTGTGGAAAGAGTTTACTGCTGTGACAAAAACTATCT-3'
Protein context (NP_006071.1, residues 496-516): TKQQQLYIGS[Thr506=]AGVAQLPLHR